The following is an entry in ClinVar:

ClinVar aggregate classification (germline): Uncertain significance (1 of 4 stars; one submission).

Submission:

GeneDx
Classification: Uncertain significance. Last evaluated: 2025-08-29. Review status: criteria provided, single submitter. Criteria: GeneDx Variant Classification Process June 2021. Collection method: clinical testing. Allele origin: germline. Affected: yes.
Comment: Not observed at significant frequency in large population cohorts (gnomAD); In silico analysis supports a deleterious effect on splicing; Has not been previously published as pathogenic or benign to our knowledge

NM_005445.4(SMC3):c.350+5G>A

Gene: SMC3 (structural maintenance of chromosomes 3; plus strand). Cytogenetic location: 10q25.2.
Variant type: single nucleotide variant.
Coding change: c.350+5G>A on transcript NM_005445.4 (MANE Select); 5 bases into the intron after coding-DNA position 350, G replaced by A.
Molecular consequence: intron variant.
Genome position (GRCh38, 1-based): chr10:110,577,919, G>A. VCF-style: chr10-110577919-G-A. GRCh37 (hg19) VCF-style: chr10-112337677-G-A.
Identifiers: ClinVar variation 4812899 (VCV004812899.1).